The following is an entry in ClinVar:

NM_032119.4(ADGRV1):c.10709del (p.Gly3570fs)

Gene: ADGRV1 (adhesion G protein-coupled receptor V1; plus strand). Cytogenetic location: 5q14.3.
Variant type: Deletion.
Coding change: c.10709del on transcript NM_032119.4 (MANE Select); coding-DNA position 10709, one base deleted (G; older notation c.10709delG).
Protein change: p.Gly3570fs; shifts the reading frame from glycine 3570.
Molecular consequence: frameshift variant. On other transcripts: non-coding transcript variant (1).
Genome position (GRCh38, 1-based): chr5:90,745,205, G deleted; the last of 3 consecutive G bases (chr5:90,745,203-90,745,205); deleting any one gives the same sequence. VCF-style (leftmost placement, unchanged base first): chr5-90745202-TG-T. GRCh37 (hg19) VCF-style: chr5-90041019-TG-T.
Other names: short protein forms G3570fs.
Identifiers: ClinVar variation 855492 (VCV000855492.9), dbSNP rs1754473792, ClinGen allele CA916082746.

ClinVar aggregate classification (germline): Pathogenic (1 of 4 stars; one submission).

Submission:

Labcorp Genetics (formerly Invitae), Labcorp
Classification: Pathogenic. Last evaluated: 2020-10-14. Review status: criteria provided, single submitter. Criteria: Invitae Variant Classification Sherloc (09022015). Collection method: clinical testing. Allele origin: germline.
Comment: For these reasons, this variant has been classified as Pathogenic. Loss-of-function variants in ADGRV1 are known to be pathogenic (PMID: 19357117, 22135276, 22147658). This variant has been observed in individual(s) with Usher syndrome (Invitae). ClinVar contains an entry for this variant (Variation ID: 855492). This variant is not present in population databases (ExAC no frequency). This sequence change creates a premature translational stop signal (p.Gly3570Glufs*9) in the ADGRV1 gene. It is expected to result in an absent or disrupted protein product.

Literature cited by the submitters: PubMed 19357117; PubMed 22135276; PubMed 22147658.